The following is an entry in ClinVar:

ClinVar aggregate classification (germline): Uncertain significance. Review status: criteria provided, multiple submitters, no conflicts (2 of 4 stars). 2 submissions from 2 submitters: Uncertain significance (2). Last evaluated 2022-02-08.

Conditions:
Lipoic acid synthetase deficiency. Also called: HYPERGLYCINEMIA, LACTIC ACIDOSIS, AND SEIZURES. Identifiers: Orphanet 401859, MedGen C3280887, MONDO:0013762, OMIM 614462.

Allele frequency attached by ClinVar (database versions not stated): gnomAD exomes 0.00001; TOPMed below 0.00001; gnomAD 0.00001.
gnomAD v4.1: 20 of 1,604,782 alleles (0.0012%); highest among the groups gnomAD compares: Non-Finnish European, 0.0014%; no homozygotes.

Submissions (2):

Labcorp Genetics (formerly Invitae), Labcorp
Classification: Uncertain significance for Lipoic acid synthetase deficiency. Last evaluated: 2022-02-08. Review status: criteria provided, single submitter. Criteria: Invitae Variant Classification Sherloc (09022015). Collection method: clinical testing. Allele origin: germline.
Comment: This sequence change replaces serine, which is neutral and polar, with phenylalanine, which is neutral and non-polar, at codon 30 of the LIAS protein (p.Ser30Phe). This variant is present in population databases (rs796052701, gnomAD 0.004%). This variant has not been reported in the literature in individuals affected with LIAS-related conditions. ClinVar contains an entry for this variant (Variation ID: 206043). Algorithms developed to predict the effect of missense changes on protein structure and function output the following: SIFT: "Deleterious"; PolyPhen-2: "Benign"; Align-GVGD: "Class C0". The phenylalanine amino acid residue is found in multiple mammalian species, which suggests that this missense change does not adversely affect protein function. In summary, the available evidence is currently insufficient to determine the role of this variant in disease. Therefore, it has been classified as a Variant of Uncertain Significance.

GeneDx
Classification: Uncertain significance. Last evaluated: 2014-01-08. Review status: criteria provided, single submitter. Criteria: GeneDx Variant Classification (06012015). Collection method: clinical testing. Allele origin: germline. Affected: yes.
Comment: p.Ser30Phe (TCC>TTC): c.89 C>T in exon 2 of the LIAS gene (NM_006859.2). The Ser30Phe missense change in the LIAS gene has not been published as a mutation, nor has it been reported as a benign polymorphism. It was not observed in approximately 6,500 individuals of European and African American ancestry in the NHLBI Exome Sequencing Project, indicating it is not a common benign variant in these populations. This variant is a non-conservative amino acid substitution of a polar Serine residue with a non-polar Phenylalanine residue at a position that is not highly conserved across species. In silico analysis is inconsistent with regard to the effect this variant may have on the protein structure/function. Therefore, based on the currently available information, it is unclear whether Ser30Phe is a disease-causing mutation or a rare benign variant. The variant is found in EPILEPSY panel(s).

NM_006859.4(LIAS):c.89C>T (p.Ser30Phe)

Gene: LIAS (lipoic acid synthetase; plus strand). Cytogenetic location: 4p14.
Variant type: single nucleotide variant.
Coding change: c.89C>T on transcript NM_006859.4 (MANE Select); coding-DNA position 89, C replaced by T.
Protein change: p.Ser30Phe; replaces serine 30 with phenylalanine.
Molecular consequence: missense variant.
Genome position (GRCh38, 1-based): chr4:39,460,833, C>T. VCF-style: chr4-39460833-C-T. GRCh37 (hg19) VCF-style: chr4-39462453-C-T.
Other names: p.S30F:TCC>TTC; c.89C>T, p.Ser30Phe (NM_001278590.2, NM_001278591.2, NM_001278592.2 and 2 more transcripts); short protein forms S30F.
Identifiers: ClinVar variation 206043 (VCV000206043.8), dbSNP rs796052701, ClinGen allele CA315747.
Genomic context (GRCh38, chr4:39,460,833, plus strand): 5'-ATTAACTCTTTCTTTAGGTATTTGGGAGATATTTTTGCAGCCCAGTCAGACCGTTAAGCT[C>T]CTTGCCAGATAAAAAAAAGGAACTCCTACAGAATGGACCAGACCTTCAAGATTTTGTATC-3'
Protein context (NP_006850.2, residues 20-40): YFCSPVRPLS[Ser30Phe]LPDKKKELLQ